The following is an entry in ClinVar:

ClinVar aggregate classification (germline): Uncertain significance (1 of 4 stars; one submission).

Submission:

Labcorp Genetics (formerly Invitae), Labcorp
Classification: Uncertain significance. Last evaluated: 2025-09-02. Review status: criteria provided, single submitter. Criteria: Invitae Variant Classification Sherloc (09022015). Collection method: clinical testing. Allele origin: germline.
Comment: This sequence change affects codon 136 of the FOXC2 mRNA. It is a 'silent' change, meaning that it does not change the encoded amino acid sequence of the FOXC2 protein. This variant is not present in population databases (gnomAD no frequency). This variant has not been reported in the literature in individuals affected with FOXC2-related conditions. ClinVar contains an entry for this variant (Variation ID: 2803631). In summary, the available evidence is currently insufficient to determine the role of this variant in disease. Therefore, it has been classified as a Variant of Uncertain Significance.

NM_005251.3(FOXC2):c.408C>T (p.Asp136=)

Genes: FOXC2 (forkhead box C2; plus strand), FOXC2-AS1 (FOXC2 antisense RNA 1; minus strand). Cytogenetic location: 16q24.1.
Variant type: single nucleotide variant.
Coding change: c.408C>T on transcript NM_005251.3 (MANE Select); coding-DNA position 408, C replaced by T.
Protein change: p.Asp136=; no amino-acid change (aspartic acid 136 retained).
Molecular consequence: synonymous variant. On other transcripts: non-coding transcript variant (1).
Genome position (GRCh38, 1-based): chr16:86,567,743, C>T. VCF-style: chr16-86567743-C-T. GRCh37 (hg19) VCF-style: chr16-86601349-C-T.
Identifiers: ClinVar variation 2803631 (VCV002803631.3), dbSNP rs1405787618, ClinGen allele CA497014467.
Genomic context (GRCh38, chr16:86,567,743, plus strand): 5'-GCAGAACAGCATCCGCCACAACCTCTCGCTCAACGAGTGCTTCGTCAAGGTGCCCCGCGA[C>T]GACAAGAAGCCCGGCAAGGGCAGTTACTGGACCCTGGACCCGGACTCCTACAACATGTTC-3'
Protein context (NP_005242.1, residues 126-146): LNECFVKVPR[Asp136=]DKKPGKGSYW